The following is an entry in ClinVar:

ClinVar aggregate classification (germline): Uncertain significance (1 of 4 stars; one submission).

Conditions:
Hereditary cancer-predisposing syndrome. Also called: Tumor predisposition; Hereditary Cancer Syndrome; Hereditary neoplastic syndrome; Neoplastic Syndromes, Hereditary. Identifiers: Orphanet 140162, MedGen C0027672, MeSH D009386, MONDO:0015356.

Submission:

Ambry Genetics
Classification: Uncertain significance for Hereditary cancer-predisposing syndrome. Last evaluated: 2023-09-14. Review status: criteria provided, single submitter. Criteria: Ambry Variant Classification Scheme 2023. Collection method: clinical testing. Allele origin: germline.
Comment: The p.R194K variant (also known as c.581G>A), located in coding exon 4 of the CTNNA1 gene, results from a G to A substitution at nucleotide position 581. The arginine at codon 194 is replaced by lysine, an amino acid with highly similar properties. This amino acid position is highly conserved in available vertebrate species. In addition, this alteration is predicted to be deleterious by in silico analysis. The evidence for this gene-disease relationship is limited; therefore, the clinical significance of this alteration is unclear.

NM_001903.5(CTNNA1):c.581G>A (p.Arg194Lys)

Gene: CTNNA1 (catenin alpha 1; plus strand). Cytogenetic location: 5q31.2.
Variant type: single nucleotide variant.
Coding change: c.581G>A on transcript NM_001903.5 (MANE Select); coding-DNA position 581, G replaced by A.
Protein change: p.Arg194Lys; replaces arginine 194 with lysine.
Molecular consequence: missense variant.
Genome position (GRCh38, 1-based): chr5:138,812,295, G>A. VCF-style: chr5-138812295-G-A. GRCh37 (hg19) VCF-style: chr5-138147984-G-A.
Other names: c.581G>A, p.Arg194Lys (NM_001290307.3, NM_001323982.2, NM_001323983.1 and 3 more transcripts); c.272G>A, p.Arg91Lys (NM_001290309.3); c.212G>A, p.Arg71Lys (NM_001290310.3); short protein forms R194K, R71K, R91K.
Identifiers: ClinVar variation 2622549 (VCV002622549.2), dbSNP rs74648499, ClinGen allele CA128220997.